The following is an entry in ClinVar:

NM_003793.4(CTSF):c.1322-49G>T

Gene: CTSF (cathepsin F; minus strand). Cytogenetic location: 11q13.2.
Variant type: single nucleotide variant.
Coding change: c.1322-49G>T on transcript NM_003793.4 (MANE Select); 49 bases into the intron before coding-DNA position 1322, G replaced by T.
Molecular consequence: intron variant.
Genome position (GRCh38, 1-based): chr11:66,564,195, C>A on the plus strand (G>T on the coding strand, the complement: CTSF is on the minus strand). VCF-style: chr11-66564195-C-A. GRCh37 (hg19) VCF-style: chr11-66331666-C-A.
Identifiers: ClinVar variation 3770517 (VCV003770517.13).

ClinVar aggregate classification (germline): Likely benign (1 of 4 stars; one submission).

gnomAD v4.1: 7,549 of 1,575,948 alleles (0.48%); highest among the groups gnomAD compares: Non-Finnish European, 0.57%; 19 homozygotes.

Submission:

CeGaT Center for Human Genetics Tuebingen
Classification: Likely benign. Last evaluated: 2026-07-01. Review status: criteria provided, single submitter. Criteria: CeGaT Center For Human Genetics Tuebingen Variant Classification Criteria Version 2. Collection method: clinical testing. Allele origin: germline. Affected: yes. Observed: 6 variant alleles.
Comment: CTSF: BS2